The following is an entry in ClinVar:

ClinVar aggregate classification (germline): Uncertain significance. Review status: criteria provided, multiple submitters, no conflicts (2 of 4 stars). 5 submissions from 5 submitters: Uncertain significance (5). Last evaluated 2025-03-12.

Conditions:
Cardiovascular phenotype. Identifiers: MedGen CN230736.
Cardiomyopathy (CMYO). Also called: Cardiomyopathies. Identifiers: Orphanet 167848, MedGen C0878544, MONDO:0004994, HP:0001638. Inheritance: Various modes of inheritance.
Catecholaminergic polymorphic ventricular tachycardia 1. Also called: VENTRICULAR TACHYCARDIA, CATECHOLAMINERGIC POLYMORPHIC, 1, WITH OR WITHOUT ATRIAL DYSFUNCTION AND/OR DILATED CARDIOMYOPATHY; VENTRICULAR TACHYCARDIA, STRESS-INDUCED POLYMORPHIC 1; RYR2-Related Catecholaminergic Polymorphic Ventricular Tachycardia. Identifiers: Orphanet 3286, MedGen C1631597, MONDO:0011484, OMIM 604772.

Allele frequency attached by ClinVar (database versions not stated): gnomAD 0.00001.
gnomAD v4.1: 4 of 1,612,652 alleles (0.00025%); highest among the groups gnomAD compares: Non-Finnish European, 0.00034%; no homozygotes.

Submissions (5):

Labcorp Genetics (formerly Invitae), Labcorp
Classification: Uncertain significance for Catecholaminergic polymorphic ventricular tachycardia 1. Last evaluated: 2025-03-12. Review status: criteria provided, single submitter. Criteria: Invitae Variant Classification Sherloc (09022015). Collection method: clinical testing. Allele origin: germline.
Comment: This sequence change replaces glutamic acid, which is acidic and polar, with aspartic acid, which is acidic and polar, at codon 2173 of the RYR2 protein (p.Glu2173Asp). This variant is present in population databases (rs368920731, gnomAD 0.0009%). This variant has not been reported in the literature in individuals affected with RYR2-related conditions. ClinVar contains an entry for this variant (Variation ID: 1330456). Invitae Evidence Modeling of protein sequence and biophysical properties (such as structural, functional, and spatial information, amino acid conservation, physicochemical variation, residue mobility, and thermodynamic stability) indicates that this missense variant is not expected to disrupt RYR2 protein function with a negative predictive value of 95%. In summary, the available evidence is currently insufficient to determine the role of this variant in disease. Therefore, it has been classified as a Variant of Uncertain Significance.

Ambry Genetics
Classification: Uncertain significance for Cardiovascular phenotype. Last evaluated: 2024-09-05. Review status: criteria provided, single submitter. Criteria: Ambry Variant Classification Scheme 2023. Collection method: clinical testing. Allele origin: germline.
Comment: The p.E2173D variant (also known as c.6519G>T), located in coding exon 42 of the RYR2 gene, results from a G to T substitution at nucleotide position 6519. The glutamic acid at codon 2173 is replaced by aspartic acid, an amino acid with highly similar properties. This amino acid position is highly conserved in available vertebrate species. In addition, this alteration is predicted to be tolerated by in silico analysis. Since supporting evidence is limited at this time, the clinical significance of this alteration remains unclear.

GeneDx
Classification: Uncertain significance. Last evaluated: 2024-03-12. Review status: criteria provided, single submitter. Criteria: GeneDx Variant Classification Process June 2021. Collection method: clinical testing. Allele origin: germline. Affected: yes.
Comment: Has not been previously published as pathogenic or benign to our knowledge; Not observed at significant frequency in large population cohorts (gnomAD); Not located in one of the three hot-spot regions of the RYR2 gene, where the majority of pathogenic missense variants occur (PMID: 19926015); In silico analysis supports that this missense variant does not alter protein structure/function

Color Diagnostics, LLC DBA Color Health
Classification: Uncertain significance for Cardiomyopathy. Last evaluated: 2024-03-07. Review status: criteria provided, single submitter. Criteria: ACMG Guidelines, 2015. Collection method: clinical testing. Allele origin: germline.
Comment: This missense variant replaces glutamic acid with aspartic acid at codon 2173 of the RYR2 protein. Computational prediction is inconclusive regarding the impact of this variant on protein structure and function (internally defined REVEL score threshold 0.5 < inconclusive < 0.7, PMID: 27666373). To our knowledge, functional studies have not been reported for this variant. This variant has not been reported in individuals affected with cardiovascular disorders in the literature. This variant has been identified in 2/248792 chromosomes in the general population by the Genome Aggregation Database (gnomAD). The available evidence is insufficient to determine the role of this variant in disease conclusively. Therefore, this variant is classified as a Variant of Uncertain Significance.

ARUP Laboratories, Molecular Genetics and Genomics, ARUP Laboratories
Classification: Uncertain significance. Last evaluated: 2021-10-05. Review status: criteria provided, single submitter. Criteria: ARUP Molecular Germline Variant Investigation Process 2021. Collection method: clinical testing. Allele origin: germline.
Comment: The RYR2 c.6519G>T; p.Glu2173Asp variant (rs368920731), to our knowledge, is not reported in the medical literature or gene specific databases. This variant is found in the general population with an overall allele frequency of 0.0008% (2/248,792 alleles) in the Genome Aggregation Database. The glutamic acid at codon 2173 is moderately conserved, and computational analyses are uncertain whether this variant is neutral or deleterious (REVEL: 0.531). Due to limited information, the clinical significance of the p.Glu2173Asp variant is uncertain at this time.

NM_001035.3(RYR2):c.6519G>T (p.Glu2173Asp)

Gene: RYR2 (ryanodine receptor 2; plus strand). Cytogenetic location: 1q43.
Variant type: single nucleotide variant.
Coding change: c.6519G>T on transcript NM_001035.3 (MANE Select); coding-DNA position 6519, G replaced by T.
Protein change: p.Glu2173Asp; replaces glutamic acid 2173 with aspartic acid.
Molecular consequence: missense variant.
Genome position (GRCh38, 1-based): chr1:237,631,505, G>T. VCF-style: chr1-237631505-G-T. GRCh37 (hg19) VCF-style: chr1-237794805-G-T.
Other names: c.6519G>T (NM_001035.2); short protein forms E2173D.
Identifiers: ClinVar variation 1330456 (VCV001330456.20), dbSNP rs368920731, ClinGen allele CA087129.